The following continues an entry in ClinVar:

NM_001142864.4(PIEZO1):c.7367G>A (p.Arg2456His)

Gene: PIEZO1. ClinVar aggregate classification (germline): Pathogenic. Pathogenic (14).

Submissions 12 to 17 of 17:

Genomic Medicine Lab, University of California San Francisco
Classification: Pathogenic for Non-immune hydrops fetalis. Last evaluated: 2024-01-05. Review status: criteria provided, single submitter. Criteria: ACMG Guidelines, 2015. Collection method: clinical testing. Allele origin: maternal. Affected: yes.
Comment: A missense variant c.7367G>A (p.Arg2456His) in PIEZO1 was identified. This variant is present in population databases (gnomAD 0.0001770%). This variant has been reported in the literature in individuals with hereditary xerocytosis (PMID:22529292, 23581886). Experimental studies have shown that this missense change affects PIEZO1 function (PMIDs: PMID: 23479567, 23487776).

New York Genome Center
Classification: Pathogenic for Dehydrated hereditary stomatocytosis with or without pseudohyperkalemia and/or perinatal edema. Last evaluated: 2023-08-18. Review status: criteria provided, single submitter. Criteria: NYGC Assertion Criteria 2020. Collection method: clinical testing. Allele origin: inherited. Affected: yes. Observed: 1 variant allele, 1 heterozygote.
Comment: The heterozygous c.7367G>A, p.(Arg2456His) variant identified in the PIEZO1 gene substitutes a well conserved Arginine for Histidine at amino acid 2456/2522 (exon 51/51). This variant is absent from population database (gnomADv2.1.1, gnomADv3.1.2, BRAVO-TOPMed, All of Us) suggesting it is not a common benign variant in the populations represented in those databases. In silico algorithms predict this variant to have a damaging effect on the function of the canonical protein (REVEL=0.849), and it is reported in ClinVar as Pathogenic with multiple independent submissions (VarID:55806). The c.7367G>A, p.(Arg2456His) variant in PIEZO1 has been reported in many affected individuals in the literature and has been found to segregate with disease in families with variable PIEZO1 associated clinical findings including fetal ascites and hydrops [PMID:23581886, 23973043, 22529292, 31624108, other]. Functional studies demonstrate that the p.(Arg2456His) variant leads to increased time to activation and increased steady state current, expected to prolong channel activity and lead to a gain-of-function effect. Given its report in many affected individuals in the literature, segregation with phenotype in multiple families, functional studies, and absence in population databases, the c.7367G>A, p.(Arg2456His) variant identified in the PIEZO1 gene is reported as Pathogenic.

Medical Genetics Center, Maternal and Child Health Hospital of Hubei Province
Classification: Pathogenic for Dehydrated hereditary stomatocytosis with or without pseudohyperkalemia and/or perinatal edema. Last evaluated: 2022-08-03. Review status: criteria provided, single submitter. Criteria: ACMG Guidelines, 2015. Collection method: clinical testing. Allele origin: paternal. Affected: yes.
Comment: PP1_Strong+PM2+PS4_Moderate+PP3+PS3_Supporting

OMIM
Classification: Pathogenic for DEHYDRATED HEREDITARY STOMATOCYTOSIS. Last evaluated: 2013-05-09. Review status: no assertion criteria provided. Collection method: literature only. Allele origin: germline. Not counted in ClinVar's aggregate classification.

Genome Diagnostics Laboratory, University Medical Center Utrecht
Classification: Pathogenic. Review status: no assertion criteria provided. Collection method: clinical testing. Allele origin: germline. Affected: yes. Study: VKGL Data-share Consensus. Not counted in ClinVar's aggregate classification.

Joint Genome Diagnostic Labs from Nijmegen and Maastricht, Radboudumc and MUMC+
Classification: Pathogenic. Review status: no assertion criteria provided. Collection method: clinical testing. Allele origin: germline. Affected: yes. Study: VKGL Data-share Consensus. Not counted in ClinVar's aggregate classification.

Literature cited by the submitters: PubMed 28716860 (cited by 4 submitters); PubMed 23581886 (cited by 4 submitters); PubMed 23695678 (cited by 3 submitters); PubMed 22529292 (cited by 4 submitters); PubMed 23973043 (cited by 3 submitters); PubMed 24314002 (cited by 3 submitters); PubMed 23479567 (cited by 4 submitters); PubMed 23487776 (cited by 3 submitters); PubMed 31624108 (cited by New York Genome Center and Medical Genetics Center, Maternal and Child Health Hospital of Hubei Province); PubMed 31737919 (cited by Medical Genetics Center, Maternal and Child Health Hospital of Hubei Province); PubMed 29396846 (cited by Medical Genetics Center, Maternal and Child Health Hospital of Hubei Province); PubMed 21944700 (cited by OMIM).